The following is an entry in ClinVar:

ClinVar aggregate classification (germline): Pathogenic (1 of 4 stars; one submission).

Conditions:
Primary ciliary dyskinesia. Also called: Ciliary dyskinesia. Identifiers: Orphanet 244, MedGen C0008780, MONDO:0016575, HP:0012265.

Submission:

Labcorp Genetics (formerly Invitae), Labcorp
Classification: Pathogenic for Primary ciliary dyskinesia. Last evaluated: 2023-09-19. Review status: criteria provided, single submitter. Criteria: Invitae Variant Classification Sherloc (09022015). Collection method: clinical testing. Allele origin: germline.
Comment: This sequence change creates a premature translational stop signal (p.Gln1000*) in the DNAH11 gene. It is expected to result in an absent or disrupted protein product. Loss-of-function variants in DNAH11 are known to be pathogenic (PMID: 18022865, 20513915, 22184204). This variant is not present in population databases (gnomAD no frequency). This variant has not been reported in the literature in individuals affected with DNAH11-related conditions. Algorithms developed to predict the effect of sequence changes on RNA splicing suggest that this variant may disrupt the consensus splice site. For these reasons, this variant has been classified as Pathogenic.

Literature cited by the submitters: PubMed 18022865; PubMed 20513915; PubMed 22184204.

NM_001277115.2(DNAH11):c.2998C>T (p.Gln1000Ter)

Genes: DNAH11 (dynein axonemal heavy chain 11; plus strand), LOC126859961 (BRD4-independent group 4 enhancer GRCh37_chr7:21639662-21640861; plus strand). Cytogenetic location: 7p15.3.
Variant type: single nucleotide variant.
Coding change: c.2998C>T on transcript NM_001277115.2 (MANE Select); coding-DNA position 2998, C replaced by T.
Protein change: p.Gln1000Ter; replaces glutamine 1000 with a stop codon.
Molecular consequence: nonsense.
Genome position (GRCh38, 1-based): chr7:21,600,117, C>T. VCF-style: chr7-21600117-C-T. GRCh37 (hg19) VCF-style: chr7-21639735-C-T.
Other names: c.2998C>T, p.Gln1000Ter (NM_003777.3); short protein forms Q1000*.
Identifiers: ClinVar variation 2761863 (VCV002761863.3), dbSNP rs2534628821, ClinGen allele CA366944873.